The following is an entry in ClinVar:

NM_032228.6(FAR1):c.479G>A (p.Arg160His)

Gene: FAR1 (fatty acyl-CoA reductase 1; plus strand). Cytogenetic location: 11p15.3.
Variant type: single nucleotide variant.
Coding change: c.479G>A on transcript NM_032228.6 (MANE Select); coding-DNA position 479, G replaced by A.
Protein change: p.Arg160His; replaces arginine 160 with histidine.
Molecular consequence: missense variant.
Genome position (GRCh38, 1-based): chr11:13,708,013, G>A. VCF-style: chr11-13708013-G-A. GRCh37 (hg19) VCF-style: chr11-13729560-G-A.
Other names: c.479G>A (NM_032228.5); short protein forms R160H.
Identifiers: ClinVar variation 1416865 (VCV001416865.10), dbSNP rs139416149, ClinGen allele CA5893321.

ClinVar aggregate classification (germline): Uncertain significance. Review status: criteria provided, multiple submitters, no conflicts (2 of 4 stars). 5 submissions from 5 submitters: Uncertain significance (5). Last evaluated 2026-05-07.

Conditions:
Inborn genetic diseases. Identifiers: MedGen C0950123, MeSH D030342.

Allele frequency attached by ClinVar (database versions not stated): gnomAD exomes 0.00006 and 0.00010; ExAC 0.00013; 1000 Genomes Project 30x 0.00016; 1000 Genomes Project 0.00020; ESP Exome Variant Server 0.00023; TOPMed 0.00024; gnomAD 0.00031 and 0.00033.
gnomAD v4.1: 134 of 1,608,386 alleles (0.0083%); highest among the groups gnomAD compares: African/African-American, 0.079%; no homozygotes.

Submissions (5):

Women's Health and Genetics/Laboratory Corporation of America, LabCorp
Classification: Uncertain significance. Last evaluated: 2026-05-07. Review status: criteria provided, single submitter. Criteria: LabCorp Variant Classification Summary - May 2015. Collection method: clinical testing. Allele origin: germline.
Comment: Variant summary: FAR1 c.479G>A (p.Arg160His) results in a non-conservative amino acid change in the encoded protein sequence. Algorithms developed to predict the effect of missense changes on protein structure and function are either unavailable or do not agree on the potential impact of this missense change. The variant allele was found at a frequency of 9.7e-05 in 246612 control chromosomes. This frequency is not significantly higher than estimated for disease-causing variants in FAR1, allowing no conclusion about variant significance. To our knowledge, no occurrence of c.479G>A in individuals affected with FAR1-related conditions and no experimental evidence demonstrating its impact on protein function have been reported. ClinVar contains an entry for this variant (Variation ID: 1416865). Based on the evidence outlined above, the variant was classified as uncertain significance.

Labcorp Genetics (formerly Invitae), Labcorp
Classification: Uncertain significance. Last evaluated: 2026-01-05. Review status: criteria provided, single submitter. Criteria: Invitae Variant Classification Sherloc (09022015). Collection method: clinical testing. Allele origin: germline.
Comment: This sequence change replaces arginine, which is basic and polar, with histidine, which is basic and polar, at codon 160 of the FAR1 protein (p.Arg160His). This variant is present in population databases (rs139416149, gnomAD 0.08%). This variant has not been reported in the literature in individuals affected with FAR1-related conditions. ClinVar contains an entry for this variant (Variation ID: 1416865). Invitae Evidence Modeling of protein sequence and biophysical properties (such as structural, functional, and spatial information, amino acid conservation, physicochemical variation, residue mobility, and thermodynamic stability) indicates that this missense variant is not expected to disrupt FAR1 protein function with a negative predictive value of 80%. In summary, the available evidence is currently insufficient to determine the role of this variant in disease. Therefore, it has been classified as a Variant of Uncertain Significance.

Blueprint Genetics
Classification: Uncertain significance. Last evaluated: 2024-09-13. Review status: criteria provided, single submitter. Criteria: ACMG Guidelines, 2015. Collection method: clinical testing. Allele origin: germline.

Ambry Genetics
Classification: Uncertain significance for Inborn genetic diseases. Last evaluated: 2023-11-13. Review status: criteria provided, single submitter. Criteria: Ambry Variant Classification Scheme 2023. Collection method: clinical testing. Allele origin: germline.

Breakthrough Genomics
Classification: Uncertain significance. Review status: criteria provided, single submitter. Criteria: ACMG Guidelines, 2015. Collection method: not provided. Allele origin: germline. Inheritance: Autosomal recessive inheritance. Affected: yes.